The following is an entry in ClinVar:

ClinVar aggregate classification (germline): Uncertain significance (1 of 4 stars; one submission).

Conditions:
MAP1B-related disorder. Also called: MAP1B-related condition.

gnomAD v4.1: 7 of 1,613,944 alleles (0.00043%); highest among the groups gnomAD compares: African/African-American, 0.0093%; no homozygotes.

Submission:

PreventionGenetics, part of Exact Sciences
Classification: Uncertain significance for MAP1B-related condition. Last evaluated: 2025-05-29. Review status: criteria provided, single submitter. Criteria: ACMG Guidelines, 2015. Collection method: clinical testing. Allele origin: germline.
Comment: The MAP1B c.2753A>G variant is predicted to result in the amino acid substitution p.Gln918Arg. To our knowledge, this variant has not been reported in the literature or in a large population database (gnomAD), indicating this variant is rare. At this time, the clinical significance of this variant is uncertain due to the absence of conclusive functional and genetic evidence.

NM_005909.5(MAP1B):c.2753A>G (p.Gln918Arg)

Gene: MAP1B (microtubule associated protein 1B; plus strand). Cytogenetic location: 5q13.2.
Variant type: single nucleotide variant.
Coding change: c.2753A>G on transcript NM_005909.5 (MANE Select); coding-DNA position 2753, A replaced by G.
Protein change: p.Gln918Arg; replaces glutamine 918 with arginine.
Molecular consequence: missense variant.
Genome position (GRCh38, 1-based): chr5:72,196,108, A>G. VCF-style: chr5-72196108-A-G. GRCh37 (hg19) VCF-style: chr5-71491935-A-G.
Other names: c.2375A>G, p.Gln792Arg (NM_001324255.2); short protein forms Q792R, Q918R.
Identifiers: ClinVar variation 4985639 (VCV004985639.1).